The following is an entry in ClinVar:

NM_000059.4(BRCA2):c.1858T>C (p.Phe620Leu)

Gene: BRCA2 (BRCA2 DNA repair associated; plus strand). Cytogenetic location: 13q13.1.
Variant type: single nucleotide variant.
Coding change: c.1858T>C on transcript NM_000059.4 (MANE Select); coding-DNA position 1858, T replaced by C.
Protein change: p.Phe620Leu; replaces phenylalanine 620 with leucine.
Molecular consequence: missense variant.
Genome position (GRCh38, 1-based): chr13:32,333,336, T>C. VCF-style: chr13-32333336-T-C. GRCh37 (hg19) VCF-style: chr13-32907473-T-C.
Other names: short protein forms F620L.
Identifiers: ClinVar variation 231503 (VCV000231503.10), dbSNP rs876659195, ClinGen allele CA10579510.

ClinVar aggregate classification (germline): Conflicting classifications of pathogenicity. Review status: criteria provided, conflicting classifications (1 of 4 stars). 3 submissions from 3 submitters: Uncertain significance (2); Likely benign (1). Last evaluated 2023-11-10.

Conditions:
Hereditary cancer-predisposing syndrome. Also called: Neoplastic Syndromes, Hereditary; Tumor predisposition; Hereditary Cancer Syndrome; Hereditary neoplastic syndrome. Identifiers: Orphanet 140162, MedGen C0027672, MeSH D009386, MONDO:0015356.
Hereditary breast ovarian cancer syndrome. Also called: BRCA1- and BRCA2-Associated Hereditary Breast and Ovarian Cancer; Hereditary breast and ovarian cancer syndrome; Hereditary breast and ovarian cancer; Hereditary breast and ovarian cancer syndrome (HBOC); Breast and ovarian cancer; Hereditary breast and/or ovarian cancer syndrome. Identifiers: Orphanet 145, MedGen C0677776, MeSH D061325, MONDO:0003582. Disease mechanism: loss of function.

Submissions (3):

Labcorp Genetics (formerly Invitae), Labcorp
Classification: Uncertain significance for Hereditary breast ovarian cancer syndrome. Last evaluated: 2023-11-10. Review status: criteria provided, single submitter. Criteria: Invitae Variant Classification Sherloc (09022015). Collection method: clinical testing. Allele origin: germline.
Comment: This sequence change replaces phenylalanine, which is neutral and non-polar, with leucine, which is neutral and non-polar, at codon 620 of the BRCA2 protein (p.Phe620Leu). This variant is not present in population databases (gnomAD no frequency). This variant has not been reported in the literature in individuals affected with BRCA2-related conditions. ClinVar contains an entry for this variant (Variation ID: 231503). Advanced modeling of protein sequence and biophysical properties (such as structural, functional, and spatial information, amino acid conservation, physicochemical variation, residue mobility, and thermodynamic stability) performed at Invitae indicates that this missense variant is not expected to disrupt BRCA2 protein function with a negative predictive value of 95%. In summary, the available evidence is currently insufficient to determine the role of this variant in disease. Therefore, it has been classified as a Variant of Uncertain Significance.

University of Washington Department of Laboratory Medicine, University of Washington
Classification: Likely benign for Hereditary cancer-predisposing syndrome. Last evaluated: 2023-03-23. Review status: criteria provided, single submitter. Criteria: Dines et al. (Genet Med. 2020). Collection method: curation. Allele origin: germline.
Comment: Missense variant in a coldspot region where missense variants are very unlikely to be pathogenic (PMID:31911673).

BRCA2 exon 10 coldspot. Reclassification based on statistical prior probability.

Ambry Genetics
Classification: Uncertain significance for Hereditary cancer-predisposing syndrome. Last evaluated: 2015-04-24. Review status: criteria provided, single submitter. Criteria: Ambry Variant Classification Scheme 2023. Collection method: clinical testing. Allele origin: germline.
Comment: The p.F620L variant (also known as c.1858T>C), located in coding exon 9 of the BRCA2 gene, results from a T to C substitution at nucleotide position 1858. The phenylalanine at codon 620 is replaced by leucine, an amino acid with highly similar properties. This variant was not reported in population based cohorts in the following databases: Database of Single Nucleotide Polymorphisms (dbSNP), NHLBI Exome Sequencing Project (ESP), and 1000 Genomes Project. In the ESP, this variant was not observed in 6465 samples (12930 alleles) with coverage at this position. To date, this alteration has been detected with an allele frequency of approximately 0.001% (greater than 150000 alleles tested) in our clinical cohort. This amino acid position is poorly conserved in available vertebrate species. In addition, this alteration is predicted to be tolerated by in silico analysis. Since supporting evidence is limited at this time, the clinical significance of p.F620L remains unclear.